The following is an entry in ClinVar:

ClinVar aggregate classification (germline): Likely benign. Review status: criteria provided, multiple submitters, no conflicts (2 of 4 stars). 2 submissions from 2 submitters: Likely benign (2). Last evaluated 2025-03-16.

Conditions:
Catecholaminergic polymorphic ventricular tachycardia (CVPT). Also called: Catecholamine-induced polymorphic ventricular tachycardia. Identifiers: Orphanet 3286, MedGen C5574922, MONDO:0017990.
Catecholaminergic polymorphic ventricular tachycardia 1. Also called: RYR2-Related Catecholaminergic Polymorphic Ventricular Tachycardia; VENTRICULAR TACHYCARDIA, STRESS-INDUCED POLYMORPHIC 1; VENTRICULAR TACHYCARDIA, CATECHOLAMINERGIC POLYMORPHIC, 1, WITH OR WITHOUT ATRIAL DYSFUNCTION AND/OR DILATED CARDIOMYOPATHY. Identifiers: Orphanet 3286, MedGen C1631597, MONDO:0011484, OMIM 604772.

gnomAD v4.1: 3 of 1,613,590 alleles (0.00019%); highest among the groups gnomAD compares: Middle Eastern, 0.017%; no homozygotes.

Submissions (2):

Labcorp Genetics (formerly Invitae), Labcorp
Classification: Likely benign for Catecholaminergic polymorphic ventricular tachycardia 1. Last evaluated: 2025-03-16. Review status: criteria provided, single submitter. Criteria: Invitae Variant Classification Sherloc (09022015). Collection method: clinical testing. Allele origin: germline.

All of Us Research Program, National Institutes of Health
Classification: Likely benign for Catecholaminergic polymorphic ventricular tachycardia. Last evaluated: 2023-03-23. Review status: criteria provided, single submitter. Criteria: ACMG Guidelines, 2015. Collection method: clinical testing. Allele origin: germline. Inheritance: Autosomal dominant inheritance. Observed: 1 variant allele, 1 heterozygote.
Comment: This study involves interpretation of variants in research participants for the purpose of population health screening. Participant phenotype was not available at the time of variant classification. Additional details can be found in publication PMID: 35346344, PMCID: PMC8962531

NM_001035.3(RYR2):c.14164C>T (p.Leu4722=)

Gene: RYR2 (ryanodine receptor 2; plus strand). Cytogenetic location: 1q43.
Variant type: single nucleotide variant.
Coding change: c.14164C>T on transcript NM_001035.3 (MANE Select); coding-DNA position 14164, C replaced by T.
Protein change: p.Leu4722=; no amino-acid change (leucine 4722 retained).
Molecular consequence: synonymous variant.
Genome position (GRCh38, 1-based): chr1:237,806,149, C>T. VCF-style: chr1-237806149-C-T. GRCh37 (hg19) VCF-style: chr1-237969449-C-T.
Identifiers: ClinVar variation 1541495 (VCV001541495.10), dbSNP rs2149437433, ClinGen allele CA424051602.